The following is an entry in ClinVar:

ClinVar aggregate classification (germline): Uncertain significance (1 of 4 stars; one submission).

Conditions:
Primary ciliary dyskinesia. Also called: Ciliary dyskinesia. Identifiers: Orphanet 244, MedGen C0008780, MONDO:0016575, HP:0012265.

Allele frequency attached by ClinVar (database versions not stated): ExAC below 0.00001; gnomAD 0.00001 and 0.00003; gnomAD exomes 0.00004; TOPMed 0.00004; 1000 Genomes Project 30x 0.00016.

Submission:

Labcorp Genetics (formerly Invitae), Labcorp
Classification: Uncertain significance for Primary ciliary dyskinesia. Last evaluated: 2019-01-19. Review status: criteria provided, single submitter. Criteria: Invitae Variant Classification Sherloc (09022015). Collection method: clinical testing. Allele origin: germline.
Comment: This sequence change replaces valine with leucine at codon 197 of the CCNO protein (p.Val197Leu). The valine residue is weakly conserved and there is a small physicochemical difference between valine and leucine. The frequency data for this variant in the population databases is considered unreliable, as metrics indicate poor data quality at this position in the ExAC database. This variant has not been reported in the literature in individuals with CCNO-related conditions. Algorithms developed to predict the effect of missense changes on protein structure and function (SIFT, PolyPhen-2, Align-GVGD) all suggest that this variant is likely to be tolerated, but these predictions have not been confirmed by published functional studies and their clinical significance is uncertain. In summary, the available evidence is currently insufficient to determine the role of this variant in disease. Therefore, it has been classified as a Variant of Uncertain Significance.

NM_021147.5(CCNO):c.589G>C (p.Val197Leu)

Gene: CCNO (cyclin O; minus strand). Cytogenetic location: 5q11.2.
Variant type: single nucleotide variant.
Coding change: c.589G>C on transcript NM_021147.5 (MANE Select); coding-DNA position 589, G replaced by C.
Protein change: p.Val197Leu; replaces valine 197 with leucine.
Molecular consequence: missense variant. On other transcripts: non-coding transcript variant (3).
Genome position (GRCh38, 1-based): chr5:55,231,839, C>G on the plus strand (G>C on the coding strand, the complement: CCNO is on the minus strand). VCF-style: chr5-55231839-C-G. GRCh37 (hg19) VCF-style: chr5-54527667-C-G.
Other names: short protein forms V197L.
Identifiers: ClinVar variation 846404 (VCV000846404.9), dbSNP rs751534793, ClinGen allele CA3266716.